The following is an entry in ClinVar:

ClinVar aggregate classification (germline): Uncertain significance (1 of 4 stars; one submission).

Conditions:
Pyruvate dehydrogenase E3 deficiency (DLDD). Also called: Dihydrolipoamide Dehydrogenase Deficiency; MAPLE SYRUP URINE DISEASE, TYPE III; DLD DEFICIENCY; E3 DEFICIENCY; Dihydrolipoamide Dehydrogenase (E3) Deficiency; Dihydrolipoamide Dehydrogenase E3 Deficiency. Identifiers: Orphanet 2394, Orphanet 765, MedGen C5574660, MONDO:0009529, OMIM 246900.

Submission:

Labcorp Genetics (formerly Invitae), Labcorp
Classification: Uncertain significance for Pyruvate dehydrogenase E3 deficiency. Last evaluated: 2021-12-24. Review status: criteria provided, single submitter. Criteria: Invitae Variant Classification Sherloc (09022015). Collection method: clinical testing. Allele origin: germline.
Comment: This sequence change replaces valine, which is neutral and non-polar, with isoleucine, which is neutral and non-polar, at codon 226 of the DLD protein (p.Val226Ile). Information on the frequency of this variant in the gnomAD database is not available, as this variant may be reported differently in the database. This variant has not been reported in the literature in individuals affected with DLD-related conditions. Experimental studies and prediction algorithms are not available or were not evaluated, and the functional significance of this variant is currently unknown. In summary, the available evidence is currently insufficient to determine the role of this variant in disease. Therefore, it has been classified as a Variant of Uncertain Significance.

NM_000108.5(DLD):c.675_676inv (p.Val226Ile)

Gene: DLD (dihydrolipoamide dehydrogenase; plus strand). Cytogenetic location: 7q31.1.
Variant type: Inversion.
Coding change: c.675_676inv on transcript NM_000108.5 (MANE Select).
Protein change: p.Val226Ile; replaces valine 226 with isoleucine.
Molecular consequence: missense variant.
Genome position: GRCh38 VCF-style: chr7-107906359-TG-CA. GRCh37 (hg19) VCF-style: chr7-107546804-TG-CA.
Other names: c.378_379inv, p.Val127Ile (NM_001289750.1); c.606_607inv, p.Val203Ile (NM_001289751.1); c.531_532inv, p.Val178Ile (NM_001289752.1); short protein forms V203I, V226I, V127I, V178I.
Identifiers: ClinVar variation 2158868 (VCV002158868.1), ClinGen allele CA2580076196.